The following is an entry in ClinVar:

NM_000388.4(CASR):c.46C>T (p.His16Tyr)

Gene: CASR (calcium sensing receptor; plus strand). Cytogenetic location: 3q21.1.
Variant type: single nucleotide variant.
Coding change: c.46C>T on transcript NM_000388.4 (MANE Select); coding-DNA position 46, C replaced by T.
Protein change: p.His16Tyr; replaces histidine 16 with tyrosine.
Molecular consequence: missense variant.
Genome position (GRCh38, 1-based): chr3:122,254,235, C>T. VCF-style: chr3-122254235-C-T. GRCh37 (hg19) VCF-style: chr3-121973082-C-T.
Other names: c.46C>T, p.His16Tyr (NM_001178065.2); short protein forms H16Y.
Identifiers: ClinVar variation 1959960 (VCV001959960.5), dbSNP rs769932724, ClinGen allele CA2569407.

ClinVar aggregate classification (germline): Uncertain significance (1 of 4 stars; one submission).

Conditions:
Familial hypocalciuric hypercalcemia (FHH). Also called: Familial benign hypercalcemia. Identifiers: Orphanet 405, MedGen C1809471, MONDO:0018458.
Autosomal dominant hypocalcemia 1 (HYPOC1). Also called: HYPOCALCEMIA, FAMILIAL. Identifiers: MedGen C3715128, MONDO:0011013, OMIM 601198.

Allele frequency attached by ClinVar (database versions not stated): ExAC 0.00001.
gnomAD v4.1: 1 of 1,613,798 alleles (0.000062%); highest among the groups gnomAD compares: South Asian, 0.0011%; no homozygotes.

Submission:

Labcorp Genetics (formerly Invitae), Labcorp
Classification: Uncertain significance for Familial hypocalciuric hypercalcemia; Autosomal dominant hypocalcemia 1. Last evaluated: 2022-08-25. Review status: criteria provided, single submitter. Criteria: Invitae Variant Classification Sherloc (09022015). Collection method: clinical testing. Allele origin: germline.
Comment: This variant has not been reported in the literature in individuals affected with CASR-related conditions. This sequence change replaces histidine, which is basic and polar, with tyrosine, which is neutral and polar, at codon 16 of the CASR protein (p.His16Tyr). This variant is present in population databases (rs769932724, gnomAD 0.003%). Algorithms developed to predict the effect of missense changes on protein structure and function output the following: SIFT: "Tolerated"; PolyPhen-2: "Benign"; Align-GVGD: "Class C0". The tyrosine amino acid residue is found in multiple mammalian species, which suggests that this missense change does not adversely affect protein function. In summary, the available evidence is currently insufficient to determine the role of this variant in disease. Therefore, it has been classified as a Variant of Uncertain Significance.